The following is an entry in ClinVar:

NM_004565.3(PEX14):c.442A>T (p.Met148Leu)

Gene: PEX14 (peroxisomal biogenesis factor 14; plus strand). Cytogenetic location: 1p36.22.
Variant type: single nucleotide variant.
Coding change: c.442A>T on transcript NM_004565.3 (MANE Select); coding-DNA position 442, A replaced by T.
Protein change: p.Met148Leu; replaces methionine 148 with leucine.
Molecular consequence: missense variant.
Genome position (GRCh38, 1-based): chr1:10,623,076, A>T. VCF-style: chr1-10623076-A-T. GRCh37 (hg19) VCF-style: chr1-10683133-A-T.
Other names: short protein forms M148L.
Identifiers: ClinVar variation 2095240 (VCV002095240.4), dbSNP rs2521867669, ClinGen allele CA338333438.
Genomic context (GRCh38, chr1:10,623,076, plus strand): 5'-CAGAAATACCTGCTCCCCCTCATCCTGGGCGGCCGAGAGGACAGAAAGCAGCTGGAGAGG[A>T]TGGAGGCCGGTCTCTCTGAGCTGAGTGGCAGCGTGGCCCAGACAGGTAAAGATTAATGAC-3'
Protein context (NP_004556.1, residues 138-158): GREDRKQLER[Met148Leu]EAGLSELSGS

ClinVar aggregate classification (germline): Uncertain significance (1 of 4 stars; one submission).

Conditions:
Peroxisome biogenesis disorder, complementation group K (CGK). Identifiers: MedGen C1866257, MONDO:0800365.

Submission:

Labcorp Genetics (formerly Invitae), Labcorp
Classification: Uncertain significance for Peroxisome biogenesis disorder, complementation group K. Last evaluated: 2022-02-08. Review status: criteria provided, single submitter. Criteria: Invitae Variant Classification Sherloc (09022015). Collection method: clinical testing. Allele origin: germline.
Comment: This sequence change replaces methionine, which is neutral and non-polar, with leucine, which is neutral and non-polar, at codon 148 of the PEX14 protein (p.Met148Leu). This variant is not present in population databases (gnomAD no frequency). This variant has not been reported in the literature in individuals affected with PEX14-related conditions. Algorithms developed to predict the effect of missense changes on protein structure and function (SIFT, PolyPhen-2, Align-GVGD) all suggest that this variant is likely to be tolerated. Algorithms developed to predict the effect of sequence changes on RNA splicing suggest that this variant may create or strengthen a splice site. In summary, the available evidence is currently insufficient to determine the role of this variant in disease. Therefore, it has been classified as a Variant of Uncertain Significance.